The following is an entry in ClinVar:

NM_030962.4(SBF2):c.4319T>A (p.Met1440Lys)

Genes: SBF2 (SET binding factor 2; minus strand), SBF2-AS1 (SBF2 antisense RNA 1; plus strand). Cytogenetic location: 11p15.4.
Variant type: single nucleotide variant.
Coding change: c.4319T>A on transcript NM_030962.4 (MANE Select); coding-DNA position 4319, T replaced by A.
Protein change: p.Met1440Lys; replaces methionine 1440 with lysine.
Molecular consequence: missense variant. On other transcripts: non-coding transcript variant (1).
Genome position (GRCh38, 1-based): chr11:9,808,124, A>T on the plus strand (T>A on the coding strand, the complement: SBF2 is on the minus strand). VCF-style: chr11-9808124-A-T. GRCh37 (hg19) VCF-style: chr11-9829671-A-T.
Other names: c.4415T>A, p.Met1472Lys (NM_001386339.1); c.4190T>A, p.Met1397Lys (NM_001386342.1); c.4355T>A, p.Met1452Lys (NM_001424318.1, NM_001425070.1); c.4214T>A, p.Met1405Lys (NM_001425069.1); short protein forms M1452K, M1472K, M1397K, M1405K, M1440K.
Identifiers: ClinVar variation 4744330 (VCV004744330.1).

ClinVar aggregate classification (germline): Uncertain significance (1 of 4 stars; one submission).

Conditions:
Charcot-Marie-Tooth disease type 4. Also called: Charcot-Marie-Tooth disease, type IV; Charcot-Marie-Tooth, Type 4. Identifiers: Orphanet 64749, MedGen C4082197, MONDO:0018995.

Submission:

Labcorp Genetics (formerly Invitae), Labcorp
Classification: Uncertain significance for Charcot-Marie-Tooth disease type 4. Last evaluated: 2025-07-22. Review status: criteria provided, single submitter. Criteria: Invitae Variant Classification Sherloc (09022015). Collection method: clinical testing. Allele origin: germline.
Comment: This sequence change replaces methionine, which is neutral and non-polar, with lysine, which is basic and polar, at codon 1440 of the SBF2 protein (p.Met1440Lys). This variant is present in population databases (rs763376856, gnomAD 0.0009%). This variant has not been reported in the literature in individuals affected with SBF2-related conditions. Invitae Evidence Modeling of protein sequence and biophysical properties (such as structural, functional, and spatial information, amino acid conservation, physicochemical variation, residue mobility, and thermodynamic stability) has been performed for this missense variant. However, the output from this modeling did not meet the statistical confidence thresholds required to predict the impact of this variant on SBF2 protein function. In summary, the available evidence is currently insufficient to determine the role of this variant in disease. Therefore, it has been classified as a Variant of Uncertain Significance.